The following is an entry in ClinVar:

NM_018341.3(ERMARD):c.508-17A>C

Gene: ERMARD (ER membrane associated RNA degradation; plus strand). Cytogenetic location: 6q27.
Variant type: single nucleotide variant.
Coding change: c.508-17A>C on transcript NM_018341.3 (MANE Select); 17 bases into the intron before coding-DNA position 508, A replaced by C.
Molecular consequence: intron variant.
Genome position (GRCh38, 1-based): chr6:169,758,951, A>C. VCF-style: chr6-169758951-A-C. GRCh37 (hg19) VCF-style: chr6-170159047-A-C.
Other names: c.508-17A>C (NM_001278531.2, NM_001278533.2); c.130-17A>C (NM_001278532.2).
Identifiers: ClinVar variation 512200 (VCV000512200.1), dbSNP rs374621558, ClinGen allele CA4105875.

ClinVar aggregate classification (germline): Likely benign (1 of 4 stars; one submission).

Allele frequency attached by ClinVar (database versions not stated): ExAC 0.00002; gnomAD exomes 0.00003; gnomAD 0.00005 and 0.00006; TOPMed 0.00005; ESP Exome Variant Server 0.00008.
gnomAD v4.1: 119 of 1,599,610 alleles (0.0074%); highest among the groups gnomAD compares: Non-Finnish European, 0.0097%; no homozygotes.

Submission:

GeneDx
Classification: Likely benign. Last evaluated: 2017-09-20. Review status: criteria provided, single submitter. Criteria: GeneDx Variant Classification (06012015). Collection method: clinical testing. Allele origin: germline. Affected: yes.
Comment: This variant is considered likely benign or benign based on one or more of the following criteria: it is a conservative change, it occurs at a poorly conserved position in the protein, it is predicted to be benign by multiple in silico algorithms, and/or has population frequency not consistent with disease.